The following is an entry in ClinVar:

ClinVar aggregate classification (germline): Uncertain significance (1 of 4 stars; one submission).

Submission:

GeneDx
Classification: Uncertain significance. Last evaluated: 2023-06-08. Review status: criteria provided, single submitter. Criteria: GeneDx Variant Classification Process June 2021. Collection method: clinical testing. Allele origin: germline. Affected: yes.
Comment: In-frame deletion of 1 amino acid in a non-repeat region; In silico analysis supports a deleterious effect on protein structure/function; Not observed at significant frequency in large population cohorts (gnomAD); Has not been previously published as pathogenic or benign to our knowledge

NM_018105.3(THAP1):c.542AGG[1] (p.Glu182del)

Gene: THAP1 (THAP domain containing 1; minus strand). Cytogenetic location: 8p11.21.
Variant type: Microsatellite.
Coding change: c.542AGG[1] on transcript NM_018105.3 (MANE Select); one copy of the 3-base unit AGG starting at c.542; the reference has two copies in a row; one copy, 3 bases deleted.
Protein change: p.Glu182del; deletes glutamic acid 182.
Molecular consequence: 3 prime UTR variant (on NM_199003.2).
Genome position (GRCh38, 1-based): chr8:42,838,057-42,838,059, CCT deleted on the plus strand (AGG on the coding strand, the reverse complement: THAP1 is on the minus strand); deleting any 3 consecutive bases within chr8:42,838,057-42,838,062 gives the same sequence; the position shown is the placement nearest the transcript's 3' end. VCF-style (leftmost placement, unchanged base first): chr8-42838056-ACCT-A. GRCh37 (hg19) VCF-style: chr8-42693199-ACCT-A.
Other names: c.*184AGG[1] (NM_199003.2); short protein forms E182del.
Identifiers: ClinVar variation 3359770 (VCV003359770.1).
Genomic context (GRCh38, chr8:42,838,056, plus strand): 5'-TTTGGTAGAATCACATAACCTCTTTCTGATACGTCGTCTTTCTCTTTCTGGAAGTGAACA[ACCT>A]CCTTTAATTTTTCAAGCTGCCGTTCTTGCCTTCTGCATCGCTGCTGTGCGGTCTTGAGCT-3'